The following is an entry in ClinVar:

NM_001080449.3(DNA2):c.2248A>G (p.Ile750Val)

Gene: DNA2 (DNA replication helicase/nuclease 2; minus strand). Cytogenetic location: 10q21.3.
Variant type: single nucleotide variant.
Coding change: c.2248A>G on transcript NM_001080449.3 (MANE Select); coding-DNA position 2248, A replaced by G.
Protein change: p.Ile750Val; replaces isoleucine 750 with valine.
Molecular consequence: missense variant. On other transcripts: non-coding transcript variant (1).
Genome position (GRCh38, 1-based): chr10:68,422,851, T>C on the plus strand (A>G on the coding strand, the complement: DNA2 is on the minus strand). VCF-style: chr10-68422851-T-C. GRCh37 (hg19) VCF-style: chr10-70182608-T-C.
Other names: c.2248A>G (NM_001080449.2); short protein forms I750V.
Identifiers: ClinVar variation 2805673 (VCV002805673.5), dbSNP rs1429428835, ClinGen allele CA376849703.

ClinVar aggregate classification (germline): Uncertain significance. Review status: criteria provided, multiple submitters, no conflicts (2 of 4 stars). 3 submissions from 3 submitters: Uncertain significance (3). Last evaluated 2026-09-01.

Conditions:
Inborn genetic diseases. Identifiers: MedGen C0950123, MeSH D030342.

Allele frequency attached by ClinVar (database versions not stated): gnomAD exomes below 0.00001; TOPMed below 0.00001; gnomAD 0.00001.
gnomAD v4.1: 3 of 1,608,048 alleles (0.00019%); highest among the groups gnomAD compares: Non-Finnish European, 0.00025%; no homozygotes.

Submissions (3):

CeGaT Center for Human Genetics Tuebingen
Classification: Uncertain significance. Last evaluated: 2026-09-01. Review status: criteria provided, single submitter. Criteria: CeGaT Center For Human Genetics Tuebingen Variant Classification Criteria Version 2. Collection method: clinical testing. Allele origin: germline. Affected: yes. Observed: 1 variant allele.
Comment: DNA2: PM2, BP4

Ambry Genetics
Classification: Uncertain significance for Inborn genetic diseases. Last evaluated: 2025-10-02. Review status: criteria provided, single submitter. Criteria: Ambry Variant Classification Scheme 2023. Collection method: clinical testing. Allele origin: germline.

Labcorp Genetics (formerly Invitae), Labcorp
Classification: Uncertain significance. Last evaluated: 2023-12-03. Review status: criteria provided, single submitter. Criteria: Invitae Variant Classification Sherloc (09022015). Collection method: clinical testing. Allele origin: germline.
Comment: This sequence change replaces isoleucine, which is neutral and non-polar, with valine, which is neutral and non-polar, at codon 750 of the DNA2 protein (p.Ile750Val). This variant is not present in population databases (gnomAD no frequency). This variant has not been reported in the literature in individuals affected with DNA2-related conditions. Advanced modeling of protein sequence and biophysical properties (such as structural, functional, and spatial information, amino acid conservation, physicochemical variation, residue mobility, and thermodynamic stability) has been performed at Invitae for this missense variant, however the output from this modeling did not meet the statistical confidence thresholds required to predict the impact of this variant on DNA2 protein function. In summary, the available evidence is currently insufficient to determine the role of this variant in disease. Therefore, it has been classified as a Variant of Uncertain Significance.